The following is an entry in ClinVar:

ClinVar aggregate classification (germline): Likely pathogenic (0 of 4 stars; one submission).

Submission:

Leiden Open Variation Database
Classification: Likely pathogenic. Last evaluated: 2021-05-27. Review status: no assertion criteria provided. Collection method: curation. Allele origin: germline. Affected: yes.
Comment: Curator: Global Variome, with Curator vacancy. Submitters to LOVD: Global Variome, with Curator vacancy, Manon Peeters.

Literature cited by the submitters: PubMed 31144483.

NM_000322.5(PRPH2):c.657_662del (p.Arg220_Pro221del)

Gene: PRPH2 (peripherin 2; minus strand). Cytogenetic location: 6p21.1.
Variant type: Deletion.
Coding change: c.657_662del on transcript NM_000322.5 (MANE Select); coding-DNA positions 657 to 662, 6 bases deleted (ACGGCC; older notation c.657_662delACGGCC).
Protein change: p.Arg220_Pro221del.
Molecular consequence: inframe deletion.
Genome position (GRCh38, 1-based): chr6:42,704,531-42,704,536, GGCCGT deleted on the plus strand (ACGGCC on the coding strand, the reverse complement: PRPH2 is on the minus strand); deleting any 6 consecutive bases within chr6:42,704,531-42,704,539 gives the same sequence; the c. name uses the placement nearest the transcript's 3' end. VCF-style (leftmost placement, unchanged base first): chr6-42704530-GGGCCGT-G. GRCh37 (hg19) VCF-style: chr6-42672268-GGGCCGT-G.
Identifiers: ClinVar variation 1175224 (VCV001175224.1), dbSNP rs2152005313, ClinGen allele CA2499218272.